The following is an entry in ClinVar:

NM_000135.4(FANCA):c.141T>C (p.Ala47=)

Gene: FANCA (FA complementation group A; minus strand). Cytogenetic location: 16q24.3.
Variant type: single nucleotide variant.
Coding change: c.141T>C on transcript NM_000135.4 (MANE Select); coding-DNA position 141, T replaced by C.
Protein change: p.Ala47=; no amino-acid change (alanine 47 retained).
Molecular consequence: synonymous variant.
Genome position (GRCh38, 1-based): chr16:89,815,925, A>G on the plus strand (T>C on the coding strand, the complement: FANCA is on the minus strand). VCF-style: chr16-89815925-A-G. GRCh37 (hg19) VCF-style: chr16-89882333-A-G.
Other names: c.141T>C, p.Ala47= (NM_001018112.3, NM_001286167.3, NM_001351830.2).
Identifiers: ClinVar variation 2681889 (VCV002681889.1), dbSNP rs2544389911, ClinGen allele CA497196756.
Genomic context (GRCh38, chr16:89,815,925, plus strand): 5'-GCTTCCTCTTACCTCAAGCAAAAGGGCATTCAGGTCCTGATGGCTTCGCAGGAGGCGCAC[A>G]GCTGATTCCTTTAATTTCTGTGCCCTTTCAGGATTATATTTTTCCCTCTTGACCCTTCCC-3'
Protein context (NP_000126.2, residues 37-57): PERAQKLKES[Ala47=]VRLLRSHQDL

ClinVar aggregate classification (germline): Uncertain significance (1 of 4 stars; one submission).

Submission:

Quest Diagnostics Nichols Institute San Juan Capistrano
Classification: Uncertain significance. Last evaluated: 2022-10-19. Review status: criteria provided, single submitter. Criteria: Quest Diagnostics criteria. Collection method: clinical testing. Allele origin: unknown.
Comment: This variant has not been reported in the published literature. It also has not been reported in large, multi-ethnic general populations. Analysis of this variant using software algorithms for the prediction of the effect of nucleotide changes on splicing yielded predictions that this variant does not affect FANCA mRNA splicing . Based on the available information, we are unable to determine the clinical significance of this variant.